The following is an entry in ClinVar:

NM_007194.4(CHEK2):c.1551T>A (p.Thr517=)

Gene: CHEK2 (checkpoint kinase 2; minus strand). Cytogenetic location: 22q12.1.
Variant type: single nucleotide variant.
Coding change: c.1551T>A on transcript NM_007194.4 (MANE Select); coding-DNA position 1551, T replaced by A.
Protein change: p.Thr517=; no amino-acid change (threonine 517 retained).
Molecular consequence: synonymous variant.
Genome position (GRCh38, 1-based): chr22:28,687,978, A>T on the plus strand (T>A on the coding strand, the complement: CHEK2 is on the minus strand). VCF-style: chr22-28687978-A-T. GRCh37 (hg19) VCF-style: chr22-29083966-A-T.
Other names: c.1680T>A, p.Thr560= (NM_001005735.3); c.888T>A, p.Thr296= (NM_001257387.3); c.1350T>A, p.Thr450= (NM_001349956.3); c.1464T>A, p.Thr488= (NM_145862.3); c.1551T>A (NM_007194.3).
Identifiers: ClinVar variation 1088306 (VCV001088306.12), dbSNP rs2145739341, ClinGen allele CA513944683.
Genomic context (GRCh38, chr22:28,687,978, plus strand): 5'-AGCTGGGCGCTTTGTGGTCTCGGCACCCTCGGCTTCCCCTTCACGGGGCCGCTTTCGACT[A>T]GTAGAAGGCTGAAAATAAAGGAAAATGGAGAAATGTTCAAAAGAAAATCACTGGCTTCTT-3'
Protein context (NP_009125.1, residues 507-527): ALPQVLAQPS[Thr517=]SRKRPREGEA

ClinVar aggregate classification (germline): Benign/Likely benign. Review status: criteria provided, multiple submitters, no conflicts (2 of 4 stars). 3 submissions from 3 submitters: Benign (1); Likely benign (2). Last evaluated 2026-08-15.

Conditions:
Hereditary cancer-predisposing syndrome. Also called: Neoplastic Syndromes, Hereditary; Tumor predisposition; Hereditary Cancer Syndrome; Hereditary neoplastic syndrome. Identifiers: Orphanet 140162, MedGen C0027672, MeSH D009386, MONDO:0015356.
Familial cancer of breast. Also called: Hereditary breast cancer; hereditary breast carcinoma; BREAST CANCER, FAMILIAL. Identifiers: Orphanet 227535, MedGen C0346153, MONDO:0016419, OMIM 114480. Disease mechanism: loss of function.

Submissions (3):

Ambry Genetics
Classification: Likely benign for Hereditary cancer-predisposing syndrome. Last evaluated: 2026-08-15. Review status: criteria provided, single submitter. Criteria: Ambry Variant Classification Scheme 2023. Collection method: clinical testing. Allele origin: germline.

Myriad Genetics, Inc.
Classification: Benign for Familial cancer of breast. Last evaluated: 2024-10-08. Review status: criteria provided, single submitter. Criteria: Myriad Autosomal Dominant, Autosomal Recessive and X-Linked Classification Criteria (2023). Collection method: clinical testing. Allele origin: unknown.
Comment: This variant is considered benign. This variant is a silent/synonymous amino acid change and it is not expected to impact splicing.

Labcorp Genetics (formerly Invitae), Labcorp
Classification: Likely benign for Familial cancer of breast. Last evaluated: 2022-09-26. Review status: criteria provided, single submitter. Criteria: Invitae Variant Classification Sherloc (09022015). Collection method: clinical testing. Allele origin: germline.